The following is an entry in ClinVar:

NM_001080517.3(SETD5):c.1628T>A (p.Val543Glu)

Gene: SETD5 (SET domain containing 5; plus strand). Cytogenetic location: 3p25.3.
Variant type: single nucleotide variant.
Coding change: c.1628T>A on transcript NM_001080517.3 (MANE Select); coding-DNA position 1628, T replaced by A.
Protein change: p.Val543Glu; replaces valine 543 with glutamic acid.
Molecular consequence: missense variant.
Genome position (GRCh38, 1-based): chr3:9,447,153, T>A. VCF-style: chr3-9447153-T-A. GRCh37 (hg19) VCF-style: chr3-9488837-T-A.
Other names: c.1334T>A, p.Val445Glu (NM_001292043.2, NM_001349451.2); short protein forms V445E, V543E.
Identifiers: ClinVar variation 2580559 (VCV002580559.1), dbSNP rs776351904, ClinGen allele CA2239251.
Genomic context (GRCh38, chr3:9,447,153, plus strand): 5'-AAAACTTAGAGAAAAGAAAGAAGCGGCGGGATCAGCCCTTGGAACAGAGCAACTCTGATG[T>A]AGAGATTACTACAACCACCTCAGAGACTCCTGTTGGTGAAGAGACAAAAACTGAAGCCCC-3'
Protein context (NP_001073986.1, residues 533-553): DQPLEQSNSD[Val543Glu]EITTTTSETP

ClinVar aggregate classification (germline): Uncertain significance (1 of 4 stars; one submission).

Submission:

GeneDx
Classification: Uncertain significance. Last evaluated: 2023-03-22. Review status: criteria provided, single submitter. Criteria: GeneDx Variant Classification Process June 2021. Collection method: clinical testing. Allele origin: germline. Affected: yes.
Comment: Not observed at significant frequency in large population cohorts (gnomAD); In silico analysis supports that this missense variant does not alter protein structure/function; Has not been previously published as pathogenic or benign to our knowledge